The following is an entry in ClinVar:

ClinVar aggregate classification (germline): Uncertain significance. Review status: criteria provided, multiple submitters, no conflicts (2 of 4 stars). 5 submissions from 5 submitters: Uncertain significance (5). Last evaluated 2025-11-05.

Conditions:
Arrhythmogenic right ventricular dysplasia 12. Also called: ARRHYTHMOGENIC RIGHT VENTRICULAR DYSPLASIA, FAMILIAL, 12. Identifiers: MedGen C1969081, MONDO:0012684, OMIM 611528.
Naxos disease (NXD). Also called: CARDIOMYOPATHY, ARRHYTHMOGENIC RIGHT VENTRICULAR, WITH SKIN, HAIR, AND NAIL ABNORMALITIES; KERATOSIS PALMOPLANTARIS WITH ARRHYTHMOGENIC CARDIOMYOPATHY; MAL DE NAXOS; PALMOPLANTAR KERATODERMA WITH ARRHYTHMOGENIC RIGHT VENTRICULAR CARDIOMYOPATHY AND WOOLLY HAIR; WOOLLY HAIR, PALMOPLANTAR KERATODERMA, AND CARDIAC ABNORMALITIES. Identifiers: Orphanet 34217, MedGen C1832600, MONDO:0011017, OMIM 601214.
Cardiovascular phenotype. Identifiers: MedGen CN230736.

Allele frequency attached by ClinVar (database versions not stated): TOPMed 0.00001; gnomAD exomes 0.00002 and 0.00006; gnomAD 0.00003; ExAC 0.00006.
gnomAD v4.1: 28 of 1,614,146 alleles (0.0017%); highest among the groups gnomAD compares: East Asian, 0.0067%; no homozygotes.

Submissions (5):

Labcorp Genetics (formerly Invitae), Labcorp
Classification: Uncertain significance for Arrhythmogenic right ventricular dysplasia 12; Naxos disease. Last evaluated: 2025-11-05. Review status: criteria provided, single submitter. Criteria: Invitae Variant Classification Sherloc (09022015). Collection method: clinical testing. Allele origin: germline.
Comment: This sequence change replaces arginine, which is basic and polar, with histidine, which is basic and polar, at codon 460 of the JUP protein (p.Arg460His). This variant is present in population databases (rs397517296, gnomAD 0.02%). This variant has not been reported in the literature in individuals affected with JUP-related conditions. ClinVar contains an entry for this variant (Variation ID: 45835). An algorithm developed to predict the effect of missense changes on protein structure and function (PolyPhen-2) suggests that this variant is likely to be disruptive. In summary, the available evidence is currently insufficient to determine the role of this variant in disease. Therefore, it has been classified as a Variant of Uncertain Significance.

GeneDx
Classification: Uncertain significance. Last evaluated: 2023-08-28. Review status: criteria provided, single submitter. Criteria: GeneDx Variant Classification Process June 2021. Collection method: clinical testing. Allele origin: germline. Affected: yes.
Comment: In silico analysis supports that this missense variant has a deleterious effect on protein structure/function; Has not been previously published as pathogenic or benign to our knowledge

Blueprint Genetics
Classification: Uncertain significance. Last evaluated: 2021-04-26. Review status: criteria provided, single submitter. Criteria: ACMG Guidelines, 2015. Collection method: clinical testing. Allele origin: germline.

Ambry Genetics
Classification: Uncertain significance for Cardiovascular phenotype. Last evaluated: 2021-04-14. Review status: criteria provided, single submitter. Criteria: Ambry Variant Classification Scheme 2023. Collection method: clinical testing. Allele origin: germline.

Laboratory for Molecular Medicine, Mass General Brigham Personalized Medicine
Classification: Uncertain significance. Last evaluated: 2013-08-09. Review status: criteria provided, single submitter. Criteria: LMM Criteria. Collection method: clinical testing. Allele origin: germline. Observed: 1 variant allele.
Comment: Computation al analyses (biochemical amino acid properties, conservation, AlignGVGD, PolyPhe n2, and SIFT) do not provide strong support for or against an impact to the prot ein. Additional information is needed to fully assess the clinical significance of this variant.

NM_002230.4(JUP):c.1379G>A (p.Arg460His)

Gene: JUP (junction plakoglobin; minus strand). Cytogenetic location: 17q21.2.
Variant type: single nucleotide variant.
Coding change: c.1379G>A on transcript NM_002230.4 (MANE Select); coding-DNA position 1379, G replaced by A.
Protein change: p.Arg460His; replaces arginine 460 with histidine.
Molecular consequence: missense variant.
Genome position (GRCh38, 1-based): chr17:41,763,101, C>T on the plus strand (G>A on the coding strand, the complement: JUP is on the minus strand). VCF-style: chr17-41763101-C-T. GRCh37 (hg19) VCF-style: chr17-39919353-C-T.
Other names: c.1379G>A, p.Arg460His (NM_001352773.2, NM_001352774.2, NM_001352775.2 and 3 more transcripts); short protein forms R460H.
Identifiers: ClinVar variation 45835 (VCV000045835.12), dbSNP rs397517296, ClinGen allele CA137139.
Genomic context (GRCh38, chr17:41,763,101, plus strand): 5'-TAGTTGAGACGCACAGAGTTCTGGGCCATCTCGGCCTCAGGGTGGCGGCTAGTGAGGTGG[C>T]GCAGAGCGCAGACGGCAGGCTCCGTGATGTCGTCCTTGTCACCAGCACGCAGGATGGCAT-3'
Protein context (NP_002221.1, residues 450-470): DITEPAVCAL[Arg460His]HLTSRHPEAE